The following is an entry in ClinVar:

ClinVar aggregate classification (germline): Uncertain significance. Review status: criteria provided, multiple submitters, no conflicts (2 of 4 stars). 2 submissions from 2 submitters: Uncertain significance (2). Last evaluated 2025-05-07.

Conditions:
Inborn genetic diseases. Identifiers: MedGen C0950123, MeSH D030342.

Allele frequency attached by ClinVar (database versions not stated): ExAC 0.00002; gnomAD exomes 0.00003.
gnomAD v4.1: 34 of 1,613,418 alleles (0.0021%); highest among the groups gnomAD compares: Middle Eastern, 0.016%; no homozygotes.

Submissions (2):

Ambry Genetics
Classification: Uncertain significance for Inborn genetic diseases. Last evaluated: 2025-05-07. Review status: criteria provided, single submitter. Criteria: Ambry Variant Classification Scheme 2023. Collection method: clinical testing. Allele origin: germline.

Labcorp Genetics (formerly Invitae), Labcorp
Classification: Uncertain significance. Last evaluated: 2023-12-11. Review status: criteria provided, single submitter. Criteria: Invitae Variant Classification Sherloc (09022015). Collection method: clinical testing. Allele origin: germline.
Comment: This sequence change replaces arginine, which is basic and polar, with histidine, which is basic and polar, at codon 494 of the TOE1 protein (p.Arg494His). This variant is present in population databases (rs745910227, gnomAD 0.01%). This variant has not been reported in the literature in individuals affected with TOE1-related conditions. ClinVar contains an entry for this variant (Variation ID: 1510871). Advanced modeling of protein sequence and biophysical properties (such as structural, functional, and spatial information, amino acid conservation, physicochemical variation, residue mobility, and thermodynamic stability) performed at Invitae indicates that this missense variant is not expected to disrupt TOE1 protein function with a negative predictive value of 80%. In summary, the available evidence is currently insufficient to determine the role of this variant in disease. Therefore, it has been classified as a Variant of Uncertain Significance.

NM_025077.4(TOE1):c.1481G>A (p.Arg494His)

Gene: TOE1 (target of EGR1, exonuclease; plus strand). Cytogenetic location: 1p34.1.
Variant type: single nucleotide variant.
Coding change: c.1481G>A on transcript NM_025077.4 (MANE Select); coding-DNA position 1481, G replaced by A.
Protein change: p.Arg494His; replaces arginine 494 with histidine.
Molecular consequence: missense variant.
Genome position (GRCh38, 1-based): chr1:45,343,650, G>A. VCF-style: chr1-45343650-G-A. GRCh37 (hg19) VCF-style: chr1-45809322-G-A.
Other names: c.1481G>A (NM_025077.3); short protein forms R494H.
Identifiers: ClinVar variation 1510871 (VCV001510871.9), dbSNP rs745910227, ClinGen allele CA826836.